The following is an entry in ClinVar:

ClinVar aggregate classification (germline): Conflicting classifications of pathogenicity. Review status: criteria provided, conflicting classifications (1 of 4 stars). 2 submissions from 2 submitters: Pathogenic (1); Uncertain significance (1). Last evaluated 2022-09-13.

Conditions:
Bethlem myopathy 1A. Also called: MYOPATHY, BENIGN CONGENITAL, WITH CONTRACTURES; Bethlem Muscular Dystrophy; Bethlem myopathy 1. Identifiers: Orphanet 610, MedGen CN029274, MONDO:0024530, OMIM 158810.

Submissions (2):

Labcorp Genetics (formerly Invitae), Labcorp
Classification: Pathogenic for Bethlem myopathy 1A. Last evaluated: 2022-09-13. Review status: criteria provided, single submitter. Criteria: Invitae Variant Classification Sherloc (09022015). Collection method: clinical testing. Allele origin: germline.
Comment: This sequence change creates a premature translational stop signal (p.Tyr910*) in the COL6A2 gene. While this is not anticipated to result in nonsense mediated decay, it is expected to disrupt the last 110 amino acid(s) of the COL6A2 protein. This variant is not present in population databases (gnomAD no frequency). This variant has not been reported in the literature in individuals affected with COL6A2-related conditions. This variant disrupts a region of the COL6A2 protein in which other variant(s) (p.Arg937Trp) have been determined to be pathogenic (Invitae). This suggests that this is a clinically significant region of the protein, and that variants that disrupt it are likely to be disease-causing. For these reasons, this variant has been classified as Pathogenic.

Revvity Omics, Revvity
Classification: Uncertain significance. Last evaluated: 2021-09-13. Review status: criteria provided, single submitter. Criteria: ACMG Guidelines, 2015. Collection method: clinical testing. Allele origin: germline.

NM_001849.4(COL6A2):c.2730C>A (p.Tyr910Ter)

Gene: COL6A2 (collagen type VI alpha 2 chain; plus strand). Cytogenetic location: 21q22.3.
Variant type: single nucleotide variant.
Coding change: c.2730C>A on transcript NM_001849.4 (MANE Select); coding-DNA position 2730, C replaced by A.
Protein change: p.Tyr910Ter; replaces tyrosine 910 with a stop codon.
Molecular consequence: nonsense.
Genome position (GRCh38, 1-based): chr21:46,132,222, C>A. VCF-style: chr21-46132222-C-A. GRCh37 (hg19) VCF-style: chr21-47552136-C-A.
Other names: short protein forms Y910*.
Identifiers: ClinVar variation 2059394 (VCV002059394.4), dbSNP rs746268077, ClinGen allele CA410549333.